The following is an entry in ClinVar:

NM_000349.3(STAR):c.749G>A (p.Trp250Ter)

Gene: STAR (steroidogenic acute regulatory protein; minus strand). Cytogenetic location: 8p11.23.
Variant type: single nucleotide variant.
Coding change: c.749G>A on transcript NM_000349.3 (MANE Select); coding-DNA position 749, G replaced by A.
Protein change: p.Trp250Ter; replaces tryptophan 250 with a stop codon.
Molecular consequence: nonsense.
Genome position (GRCh38, 1-based): chr8:38,144,382, C>T on the plus strand (G>A on the coding strand, the complement: STAR is on the minus strand). VCF-style: chr8-38144382-C-T. GRCh37 (hg19) VCF-style: chr8-38001900-C-T.
Other names: short protein forms W250*.
Identifiers: ClinVar variation 8991 (VCV000008991.7), dbSNP rs104894087, ClinGen allele CA120037.

ClinVar aggregate classification (germline): Pathogenic. Review status: criteria provided, multiple submitters, no conflicts (2 of 4 stars). 3 submissions from 3 submitters: Pathogenic (2). 1 of the submissions does not count toward it. Last evaluated 2025-07-24.

Conditions:
Congenital lipoid adrenal hyperplasia due to STAR deficency. Also called: Cholesterol monooxygenase (side-chain cleaving) deficiency; Congenital Lipoid Adrenal Hyperplasia; ADRENAL HYPERPLASIA I; Lipoid adrenal hyperplasia. Identifiers: Orphanet 418, Orphanet 90790, MedGen C0342474, MONDO:0008725, OMIM 201710.

Allele frequency attached by ClinVar (database versions not stated): TOPMed below 0.00001.
gnomAD v4.1: 1 of 1,594,652 alleles (0.000063%); highest among the groups gnomAD compares: Non-Finnish European, 0.000085%; no homozygotes.

Submissions (3):

Myriad Genetics, Inc.
Classification: Pathogenic for Congenital lipoid adrenal hyperplasia due to STAR deficency. Last evaluated: 2025-07-24. Review status: criteria provided, single submitter. Criteria: Myriad Autosomal Dominant, Autosomal Recessive and X-Linked Classification Criteria (2023). Collection method: clinical testing. Allele origin: unknown.
Comment: NM_000349.2(STAR):c.749G>A(W250*) is a nonsense variant classified as pathogenic in the context of lipoid congenital adrenal hyperplasia. W250* has been observed in cases with relevant disease (PMID: 10323391, 20444910, 23211570, 26523528). Relevant functional assessments of this variant are not available in the literature. W250* has not been observed in referenced population frequency databases. In summary, NM_000349.2(STAR):c.749G>A(W250*) is a nonsense variant in a gene where loss of function is a known mechanism of disease, is predicted to disrupt protein function, and has been observed more frequently in cases with the relevant disease than in healthy populations. Please note: this variant was assessed in the context of healthy population screening.

Labcorp Genetics (formerly Invitae), Labcorp
Classification: Pathogenic. Last evaluated: 2024-01-05. Review status: criteria provided, single submitter. Criteria: Invitae Variant Classification Sherloc (09022015). Collection method: clinical testing. Allele origin: germline.
Comment: This sequence change creates a premature translational stop signal (p.Trp250*) in the STAR gene. While this is not anticipated to result in nonsense mediated decay, it is expected to disrupt the last 36 amino acid(s) of the STAR protein. This variant is not present in population databases (gnomAD no frequency). This premature translational stop signal has been observed in individuals with congenital lipoid adrenal hyperplasia (PMID: 10323391, 20444910, 23211570, 26523528). It has also been observed to segregate with disease in related individuals. ClinVar contains an entry for this variant (Variation ID: 8991). Experimental studies and prediction algorithms are not available or were not evaluated, and the functional significance of this variant is currently unknown. This variant disrupts a region of the STAR protein in which other variant(s) (p.Gln258*) have been determined to be pathogenic (PMID: 8948562, 9097960, 22028173, 28467518). This suggests that this is a clinically significant region of the protein, and that variants that disrupt it are likely to be disease-causing. For these reasons, this variant has been classified as Pathogenic.

OMIM
Classification: Pathogenic for LIPOID CONGENITAL ADRENAL HYPERPLASIA. Last evaluated: 1999-05-01. Review status: no assertion criteria provided. Collection method: literature only. Allele origin: germline. Not counted in ClinVar's aggregate classification.

Literature cited by the submitters: PubMed 10323391 (cited by 3 submitters); PubMed 20444910 (cited by Myriad Genetics, Inc. and Labcorp Genetics (formerly Invitae), Labcorp); PubMed 23211570 (cited by Myriad Genetics, Inc. and Labcorp Genetics (formerly Invitae), Labcorp); PubMed 26523528 (cited by Myriad Genetics, Inc. and Labcorp Genetics (formerly Invitae), Labcorp); PubMed 8948562 (cited by Labcorp Genetics (formerly Invitae), Labcorp); PubMed 9097960 (cited by Labcorp Genetics (formerly Invitae), Labcorp); PubMed 22028173 (cited by Labcorp Genetics (formerly Invitae), Labcorp); PubMed 28467518 (cited by Labcorp Genetics (formerly Invitae), Labcorp).